The following is an entry in ClinVar:

ClinVar aggregate classification (germline): Likely benign. Review status: criteria provided, single submitter (1 of 4 stars). 2 submissions from 2 submitters: Likely benign (1). 1 of the submissions does not count toward it. Last evaluated 2025-10-28.

Conditions:
Familial dysautonomia. Also called: FD; HSAN III. Identifiers: Orphanet 1764, MedGen C0013364, MONDO:0009131, OMIM 223900. Disease mechanism: loss of function.

Submissions (2):

Mayo Clinic Laboratories, Mayo Clinic
Classification: Likely benign. Last evaluated: 2025-10-28. Review status: criteria provided, single submitter. Criteria: ACMG Guidelines, 2015. Collection method: clinical testing. Allele origin: germline. Observed: 1 variant allele.
Comment: BP4, BP7, PM2_supporting

Natera, Inc.
Classification: Uncertain significance for Familial dysautonomia. Last evaluated: 2025-03-22. Review status: no assertion criteria provided. Collection method: clinical testing. Allele origin: germline. Not counted in ClinVar's aggregate classification.

NM_003640.5(ELP1):c.2131-6_2131-3del

Gene: ELP1 (elongator acetyltransferase complex subunit 1; minus strand). Cytogenetic location: 9q31.3.
Variant type: Microsatellite.
Coding change: c.2131-6_2131-3del on transcript NM_003640.5 (MANE Select); 6 bases into the intron before coding-DNA position 2131 through 3 bases into the intron before coding-DNA position 2131, 4 bases deleted (TTTA; older notation c.2131-6_2131-3delTTTA).
Molecular consequence: intron variant.
Genome position (GRCh38, 1-based): chr9:108,899,898-108,899,901, TAAA deleted on the plus strand (TTTA on the coding strand, the reverse complement: ELP1 is on the minus strand); deleting any 4 consecutive bases within chr9:108,899,898-108,899,906 gives the same sequence; the c. name uses the placement nearest the transcript's 3' end. VCF-style (leftmost placement, unchanged base first): chr9-108899897-TTAAA-T. GRCh37 (hg19) VCF-style: chr9-111662177-TTAAA-T.
Other names: p.?; c.1789-6_1789-3del (NM_001318360.2); c.1084-6_1084-3del (NM_001330749.2).
Identifiers: ClinVar variation 4067253 (VCV004067253.2).